The following is an entry in ClinVar:

NM_001042492.3(NF1):c.2033C>T (p.Pro678Leu)

Gene: NF1 (neurofibromin 1; plus strand). Cytogenetic location: 17q11.2.
Variant type: single nucleotide variant.
Coding change: c.2033C>T on transcript NM_001042492.3 (MANE Select); coding-DNA position 2033, C replaced by T.
Protein change: p.Pro678Leu; replaces proline 678 with leucine.
Molecular consequence: missense variant.
Genome position (GRCh38, 1-based): chr17:31,226,466, C>T. VCF-style: chr17-31226466-C-T. GRCh37 (hg19) VCF-style: chr17-29553484-C-T.
Other names: c.2033C>T, p.Pro678Leu (NM_000267.4); short protein forms P678L.
Identifiers: ClinVar variation 41669 (VCV000041669.57), dbSNP rs17881753, ClinGen allele CA161030.
Genomic context (GRCh38, chr17:31,226,466, plus strand): 5'-AATATATGTCTTCCACCCTTGACTCTCAGGATAGTGCAGCAGGATGCAGCGGAACCCCCC[C>T]GATTTGCCGACAAGCCCAGACCAAACTAGAAGTGGCCCTGTACATGTTTCTGTGGAACCC-3'
Protein context (NP_001035957.1, residues 668-688): DSAAGCSGTP[Pro678Leu]ICRQAQTKLE

ClinVar aggregate classification (germline): Conflicting classifications of pathogenicity. Review status: criteria provided, conflicting classifications (1 of 4 stars). 17 submissions from 16 submitters: Uncertain significance (1); Benign (4); Likely benign (7). 5 of the submissions do not count toward it. Last evaluated 2026-02-27.

Conditions:
Hereditary cancer-predisposing syndrome. Also called: Tumor predisposition; Neoplastic Syndromes, Hereditary; Hereditary Cancer Syndrome; Hereditary neoplastic syndrome. Identifiers: Orphanet 140162, MedGen C0027672, MeSH D009386, MONDO:0015356.
Cardiovascular phenotype. Identifiers: MedGen CN230736.
NF1-related disorder. Also called: NF1-related condition. Identifiers: MedGen CN379171.
Hereditary cancer. Identifiers: MedGen C1333600.
Neurofibromatosis, type 1 (NF1). Also called: NEUROFIBROMATOSIS, TYPE I, SOMATIC; VON RECKLINGHAUSEN DISEASE; Peripheral type neurofibromatosis; Neurofibromatosis, type I. Identifiers: Orphanet 636, MedGen C0027831, MONDO:0018975, OMIM 162200. Disease mechanism: loss of function.

Allele frequency attached by ClinVar (database versions not stated): ESP Exome Variant Server 0.00054; gnomAD 0.00057 and 0.00058; gnomAD exomes 0.00026; ExAC 0.00030; TOPMed 0.00060; 1000 Genomes Project 30x 0.00094; 1000 Genomes Project 0.00120.
gnomAD v4.1: 229 of 1,613,768 alleles (0.014%); highest among the groups gnomAD compares: African/African-American, 0.19%; 1 homozygote.

Submissions (17):

Myriad Genetics, Inc.
Classification: Likely benign for Neurofibromatosis, type 1. Last evaluated: 2026-02-27. Review status: criteria provided, single submitter. Criteria: Myriad Autosomal Dominant, Autosomal Recessive and X-Linked Classification Criteria (2023). Collection method: clinical testing. Allele origin: unknown.
Comment: This variant is considered likely benign. This variant has been observed at a population frequency that is significantly greater than expected given the associated disease prevalence and penetrance.

Labcorp Genetics (formerly Invitae), Labcorp
Classification: Benign for Neurofibromatosis, type 1. Last evaluated: 2026-02-03. Review status: criteria provided, single submitter. Criteria: Invitae Variant Classification Sherloc (09022015). Collection method: clinical testing. Allele origin: germline.

Blueprint Genetics
Classification: Likely benign. Last evaluated: 2024-11-13. Review status: criteria provided, single submitter. Criteria: ACMG Guidelines, 2015. Collection method: clinical testing. Allele origin: germline.

Mendelics
Classification: Likely benign for Hereditary cancer. Last evaluated: 2024-01-23. Review status: criteria provided, single submitter. Criteria: ACMG Guidelines, 2015. Collection method: clinical testing. Allele origin: unknown.

CeGaT Center for Human Genetics Tuebingen
Classification: Benign. Last evaluated: 2022-08-01. Review status: criteria provided, single submitter. Criteria: CeGaT Center For Human Genetics Tuebingen Variant Classification Criteria Version 2. Collection method: clinical testing. Allele origin: germline. Affected: yes. Observed: 1 variant allele.
Comment: NF1: BS1, BS2

Institute for Biomarker Research, Medical Diagnostic Laboratories, L.L.C.
Classification: Uncertain significance for Hereditary cancer-predisposing syndrome. Last evaluated: 2022-05-11. Review status: criteria provided, single submitter. Criteria: ACMG Guidelines, 2015. Collection method: clinical testing. Allele origin: germline.

Women's Health and Genetics/Laboratory Corporation of America, LabCorp
Classification: Likely benign. Last evaluated: 2022-04-08. Review status: criteria provided, single submitter. Criteria: LabCorp Variant Classification Summary - May 2015. Collection method: clinical testing. Allele origin: germline.

GeneDx
Classification: Likely benign. Last evaluated: 2021-09-20. Review status: criteria provided, single submitter. Criteria: GeneDx Variant Classification Process June 2021. Collection method: clinical testing. Allele origin: germline. Affected: yes.
Comment: This variant is associated with the following publications: (PMID: 24728327, 22703879, 27322474)

Sema4
Classification: Benign for Hereditary cancer-predisposing syndrome. Last evaluated: 2021-04-02. Review status: criteria provided, single submitter. Criteria: Sema4 Curation Guidelines. Collection method: curation. Allele origin: germline.

Genetic Services Laboratory, University of Chicago
Classification: Benign. Last evaluated: 2019-07-24. Review status: criteria provided, single submitter. Criteria: ACMG Guidelines, 2015. Collection method: clinical testing. Allele origin: germline. Affected: no.

Ambry Genetics
Classification: Likely benign for Cardiovascular phenotype; Hereditary cancer-predisposing syndrome. Last evaluated: 2019-04-04. Review status: criteria provided, single submitter. Criteria: Ambry Variant Classification Scheme 2023. Collection method: clinical testing. Allele origin: germline.

Ambry Genetics
Classification: Likely benign for Hereditary cancer-predisposing syndrome. Last evaluated: 2015-11-13. Review status: criteria provided, single submitter. Criteria: Ambry Autosomal Dominant and X-Linked criteria (10/2015). Collection method: clinical testing. Allele origin: germline. Observed: 1 variant allele.
Comment: In silico models in agreement (benign);Other data supporting benign classification

PreventionGenetics, part of Exact Sciences
Classification: Likely benign for NF1-related condition. Last evaluated: 2019-04-11. Review status: no assertion criteria provided. Collection method: clinical testing. Allele origin: germline. Not counted in ClinVar's aggregate classification.
Comment: This variant is classified as likely benign based on ACMG/AMP sequence variant interpretation guidelines (Richards et al. 2015 PMID: 25741868, with internal and published modifications).

ITMI
No classification provided. Condition: AllHighlyPenetrant. Last evaluated: 2013-09-19. Review status: no classification provided. Collection method: reference population. Allele origin: germline. Not counted in ClinVar's aggregate classification.
Comment: Please see associated publication for description of ethnicities

Biesecker Lab/Clinical Genomics Section, National Institutes of Health
Classification: Uncertain significance. Last evaluated: 2012-07-13. Review status: no assertion criteria provided. Collection method: research. Allele origin: germline. Affected: no. Observed: 1 variant allele. Study: ClinSeq. Not counted in ClinVar's aggregate classification.
ClinVar note: Converted during submission from variant of unknown significance to Uncertain significance.

Clinical Genetics DNA and cytogenetics Diagnostics Lab, Erasmus MC, Erasmus Medical Center
Classification: Benign. Review status: no assertion criteria provided. Collection method: clinical testing. Allele origin: germline. Affected: yes. Study: VKGL Data-share Consensus. Not counted in ClinVar's aggregate classification.

Diagnostic Laboratory, Department of Genetics, University Medical Center Groningen
Classification: Likely benign. Review status: no assertion criteria provided. Collection method: clinical testing. Allele origin: germline. Affected: yes. Study: VKGL Data-share Consensus. Not counted in ClinVar's aggregate classification.

Literature cited by the submitters: PubMed 10678181 (cited by Women's Health and Genetics/Laboratory Corporation of America, LabCorp); PubMed 23460398 (cited by Women's Health and Genetics/Laboratory Corporation of America, LabCorp); PubMed 24728327 (cited by ITMI).